The following is an entry in ClinVar:

NM_001999.4(FBN2):c.1480A>T (p.Thr494Ser)

Gene: FBN2 (fibrillin 2; minus strand). Cytogenetic location: 5q23.3.
Variant type: single nucleotide variant.
Coding change: c.1480A>T on transcript NM_001999.4 (MANE Select); coding-DNA position 1480, A replaced by T.
Protein change: p.Thr494Ser; replaces threonine 494 with serine.
Molecular consequence: missense variant.
Genome position (GRCh38, 1-based): chr5:128,392,141, T>A on the plus strand (A>T on the coding strand, the complement: FBN2 is on the minus strand). VCF-style: chr5-128392141-T-A. GRCh37 (hg19) VCF-style: chr5-127727834-T-A.
Other names: c.1480A>T (NM_001999.3); short protein forms T494S.
Identifiers: ClinVar variation 1372842 (VCV001372842.7), dbSNP rs200850552, ClinGen allele CA3395788.

ClinVar aggregate classification (germline): Uncertain significance. Review status: criteria provided, multiple submitters, no conflicts (2 of 4 stars). 2 submissions from 2 submitters: Uncertain significance (2). Last evaluated 2024-05-08.

Conditions:
Congenital contractural arachnodactyly (CCA). Also called: Beals-Hecht syndrome; BEALS SYNDROME; Arthrogryposis, distal, type 9. Identifiers: Orphanet 115, MedGen C0220668, MONDO:0007363, OMIM 121050.

Allele frequency attached by ClinVar (database versions not stated): ExAC 0.00001; gnomAD 0.00001; TOPMed 0.00004.
gnomAD v4.1: 24 of 1,613,488 alleles (0.0015%); highest among the groups gnomAD compares: Non-Finnish European, 0.0018%; no homozygotes.

Submissions (2):

GeneDx
Classification: Uncertain significance. Last evaluated: 2024-05-08. Review status: criteria provided, single submitter. Criteria: GeneDx Variant Classification Process June 2021. Collection method: clinical testing. Allele origin: germline. Affected: yes.
Comment: Has not been previously published as pathogenic or benign to our knowledge; Not observed at significant frequency in large population cohorts (gnomAD); In silico analysis indicates that this missense variant does not alter protein structure/function; This variant is associated with the following publications: (PMID: 19006240, 18767143)

Labcorp Genetics (formerly Invitae), Labcorp
Classification: Uncertain significance for Congenital contractural arachnodactyly. Last evaluated: 2023-05-02. Review status: criteria provided, single submitter. Criteria: Invitae Variant Classification Sherloc (09022015). Collection method: clinical testing. Allele origin: germline.
Comment: This variant is present in population databases (rs200850552, gnomAD 0.004%). This sequence change replaces threonine, which is neutral and polar, with serine, which is neutral and polar, at codon 494 of the FBN2 protein (p.Thr494Ser). This variant has not been reported in the literature in individuals affected with FBN2-related conditions. In summary, the available evidence is currently insufficient to determine the role of this variant in disease. Therefore, it has been classified as a Variant of Uncertain Significance. Advanced modeling of protein sequence and biophysical properties (such as structural, functional, and spatial information, amino acid conservation, physicochemical variation, residue mobility, and thermodynamic stability) performed at Invitae indicates that this missense variant is not expected to disrupt FBN2 protein function. ClinVar contains an entry for this variant (Variation ID: 1372842).